The following is an entry in ClinVar:

ClinVar aggregate classification (germline): Uncertain significance. Review status: criteria provided, multiple submitters, no conflicts (2 of 4 stars). 2 submissions from 2 submitters: Uncertain significance (2). Last evaluated 2026-04-01.

Conditions:
Inborn genetic diseases. Identifiers: MedGen C0950123, MeSH D030342.
Cone-rod dystrophy 6 (CORD6). Also called: RETINAL CONE DYSTROPHY 2; Cone dystrophy progressive. Identifiers: Orphanet 1872, MedGen C1866293, MONDO:0011143, OMIM 601777.
Leber congenital amaurosis 1 (LCA1). Also called: AMAUROSIS CONGENITA OF LEBER I; RETINAL BLINDNESS, CONGENITAL; Congenital absence of the rods and cones; Leber's congenital tapetoretinal degeneration; Leber's congenital tapetoretinal dysplasia. Identifiers: Orphanet 65, MedGen C2931258, MONDO:0008764, OMIM 204000.

gnomAD v4.1: 10 of 1,610,728 alleles (0.00062%); highest among the groups gnomAD compares: Non-Finnish European, 0.00076%; no homozygotes.

Submissions (2):

Ambry Genetics
Classification: Uncertain significance for Inborn genetic diseases. Last evaluated: 2026-04-01. Review status: criteria provided, single submitter. Criteria: Ambry Variant Classification Scheme 2023. Collection method: clinical testing. Allele origin: germline.

Labcorp Genetics (formerly Invitae), Labcorp
Classification: Uncertain significance for Leber congenital amaurosis 1; Cone-rod dystrophy 6. Last evaluated: 2025-10-13. Review status: criteria provided, single submitter. Criteria: Invitae Variant Classification Sherloc (09022015). Collection method: clinical testing. Allele origin: germline.
Comment: This sequence change replaces glycine, which is neutral and non-polar, with glutamic acid, which is acidic and polar, at codon 526 of the GUCY2D protein (p.Gly526Glu). This variant is not present in population databases (gnomAD no frequency). This variant has not been reported in the literature in individuals affected with GUCY2D-related conditions. Invitae Evidence Modeling of protein sequence and biophysical properties (such as structural, functional, and spatial information, amino acid conservation, physicochemical variation, residue mobility, and thermodynamic stability) indicates that this missense variant is not expected to disrupt GUCY2D protein function with a negative predictive value of 80%. In summary, the available evidence is currently insufficient to determine the role of this variant in disease. Therefore, it has been classified as a Variant of Uncertain Significance.

NM_000180.4(GUCY2D):c.1577G>A (p.Gly526Glu)

Gene: GUCY2D (guanylate cyclase 2D, retinal; plus strand). Cytogenetic location: 17p13.1.
Variant type: single nucleotide variant.
Coding change: c.1577G>A on transcript NM_000180.4 (MANE Select); coding-DNA position 1577, G replaced by A.
Protein change: p.Gly526Glu; replaces glycine 526 with glutamic acid.
Molecular consequence: missense variant.
Genome position (GRCh38, 1-based): chr17:8,007,941, G>A. VCF-style: chr17-8007941-G-A. GRCh37 (hg19) VCF-style: chr17-7911259-G-A.
Other names: c.1577G>A (NM_000180.3); short protein forms G526E.
Identifiers: ClinVar variation 4793964 (VCV004793964.2).